The following is an entry in ClinVar:

ClinVar aggregate classification (germline): Likely benign. Review status: criteria provided, multiple submitters, no conflicts (2 of 4 stars). 2 submissions from 2 submitters: Likely benign (2). Last evaluated 2024-12-02.

Conditions:
NF1-related disorder. Also called: NF1-related condition. Identifiers: MedGen CN379171.

Submissions (2):

PreventionGenetics, part of Exact Sciences
Classification: Likely benign for NF1-related condition. Last evaluated: 2024-12-02. Review status: criteria provided, single submitter. Criteria: ACMG Guidelines, 2015. Collection method: clinical testing. Allele origin: germline.
Comment: This variant is classified as likely benign based on ACMG/AMP sequence variant interpretation guidelines (Richards et al. 2015 PMID: 25741868, with internal and published modifications).

Blueprint Genetics
Classification: Likely benign. Last evaluated: 2023-09-11. Review status: criteria provided, single submitter. Criteria: ACMG Guidelines, 2015. Collection method: clinical testing. Allele origin: germline.

NM_001042492.3(NF1):c.1642-455G>A

Gene: NF1 (neurofibromin 1; plus strand). Cytogenetic location: 17q11.2.
Variant type: single nucleotide variant.
Coding change: c.1642-455G>A on transcript NM_001042492.3 (MANE Select); 455 bases into the intron before coding-DNA position 1642, G replaced by A.
Molecular consequence: intron variant.
Genome position (GRCh38, 1-based): chr17:31,221,395, G>A. VCF-style: chr17-31221395-G-A. GRCh37 (hg19) VCF-style: chr17-29548413-G-A.
Other names: c.1642-455G>A (NM_001042492.2, NM_000267.4, NM_001128147.3).
Identifiers: ClinVar variation 4934496 (VCV004934496.2).